The following is an entry in ClinVar:

ClinVar aggregate classification (germline): Uncertain significance (1 of 4 stars; one submission).

Conditions:
Dystonic disorder. Also called: Dystonia. Identifiers: MedGen C0013421, MONDO:0003441, HP:0001332.

Submission:

Labcorp Genetics (formerly Invitae), Labcorp
Classification: Uncertain significance for Dystonic disorder. Last evaluated: 2019-07-02. Review status: criteria provided, single submitter. Criteria: Invitae Variant Classification Sherloc (09022015). Collection method: clinical testing. Allele origin: germline.
Comment: This variant, c.74_94dup, results in the insertion of 7 amino acid(s) to the CIZ1 protein (p.Leu25_Gln31dup), but otherwise preserves the integrity of the reading frame. This variant is not present in population databases (ExAC no frequency). This variant has not been reported in the literature in individuals with CIZ1-related conditions. Experimental studies and prediction algorithms are not available or were not evaluated for this variant, and the functional significance of the affected amino acid(s) is currently unknown. In summary, the available evidence is currently insufficient to determine the role of this variant in disease. Therefore, it has been classified as a Variant of Uncertain Significance.

NM_001131016.2(CIZ1):c.74_94dup (p.Leu25_Gln31dup)

Gene: CIZ1 (CDKN1A interacting zinc finger protein 1; minus strand). Cytogenetic location: 9q34.11.
Variant type: Duplication.
Coding change: c.74_94dup on transcript NM_001131016.2 (MANE Select); coding-DNA positions 74 to 94, 21 bases duplicated (TCCAGCAGCAGCAATTGCAGC).
Protein change: p.Leu25_Gln31dup.
Molecular consequence: inframe insertion. On other transcripts: 5 prime UTR variant (1).
Genome position (GRCh38, 1-based): chr9:128,190,764-128,190,784, GCTGCAATTGCTGCTGCTGGA duplicated on the plus strand (TCCAGCAGCAGCAATTGCAGC on the coding strand, the reverse complement: CIZ1 is on the minus strand); duplicating any 21 consecutive bases within chr9:128,190,764-128,190,789 gives the same sequence; the c. name uses the placement nearest the transcript's 3' end. VCF-style (leftmost placement, unchanged base first): chr9-128190763-T-TGCTGCAATTGCTGCTGCTGGA. GRCh37 (hg19) VCF-style: chr9-130953042-T-TGCTGCAATTGCTGCTGCTGGA.
Other names: c.74_94dup, p.Leu25_Gln31dup (NM_001131015.2, NM_001131017.2, NM_001131018.2 and 1 more transcripts); c.164_184dup, p.Leu55_Gln61dup (NM_001257975.2); c.-114_-94dup (NM_001257976.2).
Identifiers: ClinVar variation 947922 (VCV000947922.9), dbSNP rs1329700435, ClinGen allele CA590940419.